The following is an entry in ClinVar:

NM_198253.3(TERT):c.2873T>C (p.Leu958Pro)

Gene: TERT (telomerase reverse transcriptase; minus strand). Cytogenetic location: 5p15.33.
Variant type: single nucleotide variant.
Coding change: c.2873T>C on transcript NM_198253.3 (MANE Select); coding-DNA position 2873, T replaced by C.
Protein change: p.Leu958Pro; replaces leucine 958 with proline.
Molecular consequence: missense variant. On other transcripts: non-coding transcript variant (2).
Genome position (GRCh38, 1-based): chr5:1,260,571, A>G on the plus strand (T>C on the coding strand, the complement: TERT is on the minus strand). VCF-style: chr5-1260571-A-G. GRCh37 (hg19) VCF-style: chr5-1260686-A-G.
Other names: c.2684T>C, p.Leu895Pro (NM_001193376.3); short protein forms L895P, L958P.
Identifiers: ClinVar variation 4865454 (VCV004865454.1).

ClinVar aggregate classification (germline): Uncertain significance (1 of 4 stars; one submission).

Conditions:
Dyskeratosis congenita. Identifiers: Orphanet 1775, MedGen C0265965, MONDO:0015780.

Submission:

Ambry Genetics
Classification: Uncertain significance for Dyskeratosis congenita. Last evaluated: 2026-03-18. Review status: criteria provided, single submitter. Criteria: Ambry Variant Classification Scheme 2023. Collection method: clinical testing. Allele origin: germline.
Comment: The p.L958P variant (also known as c.2873T>C), located in coding exon 12 of the TERT gene, results from a T to C substitution at nucleotide position 2873. The leucine at codon 958 is replaced by proline, an amino acid with similar properties. This amino acid position is conserved. In addition, this alteration is predicted to be deleterious by in silico analysis. Based on the available evidence, the clinical significance of this variant remains unclear.